The following is an entry in ClinVar:

ClinVar aggregate classification (germline): Pathogenic (1 of 4 stars; one submission).

Submission:

GeneDx
Classification: Pathogenic. Last evaluated: 2026-04-21. Review status: criteria provided, single submitter. Criteria: GeneDx Variant Classification Process June 2021. Collection method: clinical testing. Allele origin: germline.
Comment: RNA studies demonstrate a damaging effect through aberrant splicing leading to an out-of-frame transcript with a premature stop codon (PMID: 41473596); In silico analysis supports a deleterious effect on splicing; Not observed at significant frequency in large population cohorts (gnomAD); This variant is associated with the following publications: (PMID: 41473596)

NM_006757.4(TNNT3):c.480+5G>A

Gene: TNNT3 (troponin T3, fast skeletal type; plus strand). Cytogenetic location: 11p15.5.
Variant type: single nucleotide variant.
Coding change: c.480+5G>A on transcript NM_006757.4 (MANE Select); 5 bases into the intron after coding-DNA position 480, G replaced by A.
Molecular consequence: intron variant.
Genome position (GRCh38, 1-based): chr11:1,934,450, G>A. VCF-style: chr11-1934450-G-A. GRCh37 (hg19) VCF-style: chr11-1955680-G-A.
Other names: c.456+5G>A (NM_001297646.2, NM_001042780.3, NM_001042782.3 and 2 more transcripts); c.513+5G>A (NM_001367846.1); c.489+5G>A (NM_001363561.2, NM_001367847.1); c.474+5G>A (NM_001042781.3, NM_001367843.1, NM_001367842.1); c.477+5G>A (NM_001367848.1); c.423+5G>A (NM_001367850.1); c.276+5G>A (NM_001367851.1, NM_001367852.1); c.468+5G>A (NM_001367849.1).
Identifiers: ClinVar variation 5037721 (VCV005037721.1).